The following is an entry in ClinVar:

NM_001283009.2(RTEL1):c.1850C>T (p.Ala617Val)

Genes: RTEL1 (regulator of telomere elongation helicase 1; plus strand), RTEL1-TNFRSF6B (RTEL1-TNFRSF6B readthrough (NMD candidate); plus strand). Cytogenetic location: 20q13.33.
Variant type: single nucleotide variant.
Coding change: c.1850C>T on transcript NM_001283009.2 (MANE Select); coding-DNA position 1850, C replaced by T.
Protein change: p.Ala617Val; replaces alanine 617 with valine.
Molecular consequence: missense variant. On other transcripts: non-coding transcript variant (1).
Genome position (GRCh38, 1-based): chr20:63,689,104, C>T. VCF-style: chr20-63689104-C-T. GRCh37 (hg19) VCF-style: chr20-62320457-C-T.
Other names: c.1181C>T, p.Ala394Val (NM_001283010.1); c.1850C>T, p.Ala617Val (NM_016434.4); c.1922C>T, p.Ala641Val (NM_032957.5); short protein forms A617V, A641V, A394V.
Identifiers: ClinVar variation 3948429 (VCV003948429.1).

ClinVar aggregate classification (germline): Uncertain significance (1 of 4 stars; one submission).

Conditions:
Inborn genetic diseases. Identifiers: MedGen C0950123, MeSH D030342.

Submission:

Ambry Genetics
Classification: Uncertain significance for Inborn genetic diseases. Last evaluated: 2025-05-27. Review status: criteria provided, single submitter. Criteria: Ambry Variant Classification Scheme 2023. Collection method: clinical testing. Allele origin: germline.
Comment: The p.A617V variant (also known as c.1850C>T), located in coding exon 21 of the RTEL1 gene, results from a C to T substitution at nucleotide position 1850. The alanine at codon 617 is replaced by valine, an amino acid with similar properties. This amino acid position is conserved. In addition, this alteration is predicted to be deleterious by in silico analysis. Based on the available evidence, the clinical significance of this variant remains unclear.